The following is an entry in ClinVar:

ClinVar aggregate classification (germline): Conflicting classifications of pathogenicity. Review status: criteria provided, conflicting classifications (1 of 4 stars). 3 submissions from 3 submitters: Likely pathogenic (2); Uncertain significance (1). Last evaluated 2025-03-03.

Allele frequency attached by ClinVar (database versions not stated): ExAC 0.00001; gnomAD exomes 0.00001.
gnomAD v4.1: 6 of 1,612,342 alleles (0.00037%); highest among the groups gnomAD compares: Non-Finnish European, 0.00051%; no homozygotes.

Submissions (3):

Mayo Clinic Laboratories, Mayo Clinic
Classification: Uncertain significance. Last evaluated: 2025-03-03. Review status: criteria provided, single submitter. Criteria: ACMG Guidelines, 2015. Collection method: clinical testing. Allele origin: germline. Observed: 1 variant allele.
Comment: PM2_supporting, PVS1_strong

Labcorp Genetics (formerly Invitae), Labcorp
Classification: Likely pathogenic. Last evaluated: 2023-05-27. Review status: criteria provided, single submitter. Criteria: Invitae Variant Classification Sherloc (09022015). Collection method: clinical testing. Allele origin: germline.
Comment: In summary, the currently available evidence indicates that the variant is pathogenic, but additional data are needed to prove that conclusively. Therefore, this variant has been classified as Likely Pathogenic. Algorithms developed to predict the effect of sequence changes on RNA splicing suggest that this variant may disrupt the consensus splice site. This variant has not been reported in the literature in individuals affected with SKIV2L-related conditions. This variant is present in population databases (rs779106194, gnomAD 0.002%). This sequence change affects an acceptor splice site in intron 25 of the SKIV2L gene. It is expected to disrupt RNA splicing. Variants that disrupt the donor or acceptor splice site typically lead to a loss of protein function (PMID: 16199547), and loss-of-function variants in SKIV2L are known to be pathogenic (PMID: 22444670).

Clinical Genetics Laboratory, Skane University Hospital Lund
Classification: Likely pathogenic. Last evaluated: 2022-11-01. Review status: criteria provided, single submitter. Criteria: ACMG Guidelines, 2015. Collection method: clinical testing. Allele origin: germline. Affected: yes.

Literature cited by the submitters: PubMed 31980526 (cited by Mayo Clinic Laboratories, Mayo Clinic); PubMed 16199547 (cited by Labcorp Genetics (formerly Invitae), Labcorp); PubMed 22444670 (cited by Labcorp Genetics (formerly Invitae), Labcorp).

NM_006929.5(SKIC2):c.3181-2A>G

Gene: SKIC2 (SKI2 subunit of superkiller complex; plus strand). Cytogenetic location: 6p21.33.
Variant type: single nucleotide variant.
Coding change: c.3181-2A>G on transcript NM_006929.5 (MANE Select); the canonical splice acceptor site of the intron before coding-DNA position 3181, A replaced by G.
Molecular consequence: splice acceptor variant.
Genome position (GRCh38, 1-based): chr6:31,968,869, A>G. VCF-style: chr6-31968869-A-G. GRCh37 (hg19) VCF-style: chr6-31936646-A-G.
Identifiers: ClinVar variation 2982260 (VCV002982260.5), dbSNP rs779106194, ClinGen allele CA3730000.
Genomic context (GRCh38, chr6:31,968,869, plus strand): 5'-GTGGTTGGGGCAGGGGGGCTAGGGGACAGCAGTGTGTCCAATGCCCACCCTTTTTCTTGC[A>G]GGTGCTCCGAACCCTGGGTTATGTGGACGAGGCGGGCACTGTGAAGCTGGCAGGGCGGGT-3'